The following is an entry in ClinVar:

ClinVar aggregate classification (germline): Likely benign (0 of 4 stars; one submission).

Conditions:
AHNAK-related disorder. Also called: AHNAK-related condition.

Allele frequency attached by ClinVar (database versions not stated): ESP Exome Variant Server 0.00024.
gnomAD v4.1: 115 of 1,612,658 alleles (0.0071%); highest among the groups gnomAD compares: African/African-American, 0.023%; no homozygotes.

Submission:

PreventionGenetics, part of Exact Sciences
Classification: Likely benign for AHNAK-related condition. Last evaluated: 2019-08-08. Review status: no assertion criteria provided. Collection method: clinical testing. Allele origin: germline.
Comment: This variant is classified as likely benign based on ACMG/AMP sequence variant interpretation guidelines (Richards et al. 2015 PMID: 25741868, with internal and published modifications).

NM_024060.4(AHNAK):c.411C>T (p.Ala137=)

Gene: AHNAK (AHNAK nucleoprotein; minus strand). Cytogenetic location: 11q12.3.
Variant type: single nucleotide variant.
Coding change: c.411C>T on transcript NM_024060.4; coding-DNA position 411, C replaced by T.
Protein change: p.Ala137=; no amino-acid change (alanine 137 retained).
Molecular consequence: synonymous variant.
Genome position (GRCh38, 1-based): chr11:62,491,763, G>A on the plus strand (C>T on the coding strand, the complement: AHNAK is on the minus strand). VCF-style: chr11-62491763-G-A. GRCh37 (hg19) VCF-style: chr11-62259235-G-A.
Identifiers: ClinVar variation 3035839 (VCV003035839.2), dbSNP rs199527649, ClinGen allele CA6043573.